The following is an entry in ClinVar:

ClinVar aggregate classification (germline): Likely benign. Review status: criteria provided, multiple submitters, no conflicts (2 of 4 stars). 4 submissions from 4 submitters: Likely benign (3). 1 of the submissions does not count toward it. Last evaluated 2025-12-15.

Conditions:
PAX6-related disorder. Also called: PAX6-related disorders; PAX6-related condition.
Aniridia 1 (AN1). Identifiers: Orphanet 250923, MedGen C0344542, MONDO:0024507, OMIM 106210.
Irido-corneo-trabecular dysgenesis (ASGD5). Also called: ANTERIOR SEGMENT DYSGENESIS 5. Identifiers: Orphanet 708, MedGen C0344559, MONDO:0011414, OMIM 604229, HP:0000659.

Allele frequency attached by ClinVar (database versions not stated): TOPMed 0.00013; gnomAD 0.00015 and 0.00016.

Submissions (4):

Labcorp Genetics (formerly Invitae), Labcorp
Classification: Likely benign for Aniridia 1; Irido-corneo-trabecular dysgenesis. Last evaluated: 2025-12-15. Review status: criteria provided, single submitter. Criteria: Invitae Variant Classification Sherloc (09022015). Collection method: clinical testing. Allele origin: germline.

Blueprint Genetics
Classification: Likely benign. Last evaluated: 2024-06-26. Review status: criteria provided, single submitter. Criteria: ACMG Guidelines, 2015. Collection method: clinical testing. Allele origin: germline.

GeneDx
Classification: Likely benign. Last evaluated: 2020-09-22. Review status: criteria provided, single submitter. Criteria: GeneDx Variant Classification Process June 2021. Collection method: clinical testing. Allele origin: germline. Affected: yes.

PreventionGenetics, part of Exact Sciences
Classification: Likely benign for PAX6-related condition. Last evaluated: 2021-02-24. Review status: no assertion criteria provided. Collection method: clinical testing. Allele origin: germline. Not counted in ClinVar's aggregate classification.
Comment: This variant is classified as likely benign based on ACMG/AMP sequence variant interpretation guidelines (Richards et al. 2015 PMID: 25741868, with internal and published modifications).

NM_001368894.2(PAX6):c.-118T>C

Gene: PAX6 (paired box 6; minus strand). Cytogenetic location: 11p13.
Variant type: single nucleotide variant.
Coding change: c.-118T>C on transcript NM_001368894.2 (MANE Select); 118 bases upstream of the start codon, T replaced by C.
Molecular consequence: 5 prime UTR variant. On other transcripts: non-coding transcript variant (2), intron variant (2).
Genome position (GRCh38, 1-based): chr11:31,806,915, A>G on the plus strand (T>C on the coding strand, the complement: PAX6 is on the minus strand). VCF-style: chr11-31806915-A-G. GRCh37 (hg19) VCF-style: chr11-31828463-A-G.
Other names: c.-118T>C (NM_000280.6, NM_001127612.3, NM_001258462.3 and 31 more transcripts); c.-395T>C (NM_001368904.2); c.-899T>C (NM_001368905.2); c.-18T>C (NM_001368910.2); c.-268+3913T>C (NM_001368909.2); c.13+3913T>C (NM_001368911.2).
Identifiers: ClinVar variation 1217729 (VCV001217729.14), dbSNP rs992201562, ClinGen allele CA219472072.